The following is an entry in ClinVar:

NM_001042492.3(NF1):c.5460T>C (p.Ile1820=)

Gene: NF1 (neurofibromin 1; plus strand). Cytogenetic location: 17q11.2.
Variant type: single nucleotide variant.
Coding change: c.5460T>C on transcript NM_001042492.3 (MANE Select); coding-DNA position 5460, T replaced by C.
Protein change: p.Ile1820=; no amino-acid change (isoleucine 1820 retained).
Molecular consequence: synonymous variant.
Genome position (GRCh38, 1-based): chr17:31,327,690, T>C. VCF-style: chr17-31327690-T-C. GRCh37 (hg19) VCF-style: chr17-29654708-T-C.
Other names: c.5397T>C, p.Ile1799= (NM_000267.4).
Identifiers: ClinVar variation 4615778 (VCV004615778.2).

ClinVar aggregate classification (germline): Benign/Likely benign. Review status: criteria provided, multiple submitters, no conflicts (2 of 4 stars). 2 submissions from 2 submitters: Benign (1); Likely benign (1). Last evaluated 2026-09-24.

Conditions:
Neurofibromatosis, type 1 (NF1). Also called: VON RECKLINGHAUSEN DISEASE; NEUROFIBROMATOSIS, TYPE I, SOMATIC; Peripheral type neurofibromatosis; Neurofibromatosis, type I. Identifiers: Orphanet 636, MedGen C0027831, MONDO:0018975, OMIM 162200. Disease mechanism: loss of function.
Cardiovascular phenotype. Identifiers: MedGen CN230736.
Hereditary cancer-predisposing syndrome. Also called: Neoplastic Syndromes, Hereditary; Tumor predisposition; Hereditary neoplastic syndrome; Hereditary Cancer Syndrome. Identifiers: Orphanet 140162, MedGen C0027672, MeSH D009386, MONDO:0015356.

Submissions (2):

Myriad Genetics, Inc.
Classification: Benign for Neurofibromatosis, type 1. Last evaluated: 2026-09-24. Review status: criteria provided, single submitter. Criteria: Myriad Autosomal Dominant, Autosomal Recessive and X-Linked Classification Criteria (2023). Collection method: clinical testing. Allele origin: unknown.
Comment: This variant is considered benign. This variant is a silent/synonymous amino acid change and it is not expected to impact splicing.

Ambry Genetics
Classification: Likely benign for Cardiovascular phenotype; Hereditary cancer-predisposing syndrome. Last evaluated: 2025-10-29. Review status: criteria provided, single submitter. Criteria: Ambry Variant Classification Scheme 2023. Collection method: clinical testing. Allele origin: germline.